The following is an entry in ClinVar:

NM_015089.4(CUL9):c.7284+4C>G

Gene: CUL9 (cullin 9; plus strand). Cytogenetic location: 6p21.1.
Variant type: single nucleotide variant.
Coding change: c.7284+4C>G on transcript NM_015089.4 (MANE Select); 4 bases into the intron after coding-DNA position 7284, C replaced by G.
Molecular consequence: intron variant.
Genome position (GRCh38, 1-based): chr6:43,223,401, C>G. VCF-style: chr6-43223401-C-G. GRCh37 (hg19) VCF-style: chr6-43191139-C-G.
Identifiers: ClinVar variation 2656587 (VCV002656587.24), dbSNP rs200509007, ClinGen allele CA3818924.
Genomic context (GRCh38, chr6:43,223,401, plus strand): 5'-GAGCTGCTCCGGCGGATCCAGGAGAGGCTGCTTGCCATCCTGCAGCATTCTGCCCAGGTA[C>G]TGCCCGGCCCAGACCCCTTCTGCTCCTGCATTCTGCGGGAGTTGAGGTCCTCCTGTCCCA-3'

ClinVar aggregate classification (germline): Likely benign (1 of 4 stars; one submission).

Allele frequency attached by ClinVar (database versions not stated): ExAC 0.00002; TOPMed 0.00002; 1000 Genomes Project 30x 0.00016; 1000 Genomes Project 0.00020.
gnomAD v4.1: 6 of 1,590,246 alleles (0.00038%); highest among the groups gnomAD compares: Non-Finnish European, 0.00051%; no homozygotes.

Submission:

CeGaT Center for Human Genetics Tuebingen
Classification: Likely benign. Last evaluated: 2022-05-01. Review status: criteria provided, single submitter. Criteria: CeGaT Center For Human Genetics Tuebingen Variant Classification Criteria Version 2. Collection method: clinical testing. Allele origin: germline. Affected: yes. Observed: 1 variant allele.
Comment: CUL9: BP4